The following is an entry in ClinVar:

NM_016302.4(CRBN):c.255A>G (p.Pro85=)

Gene: CRBN (cereblon; minus strand). Cytogenetic location: 3p26.2.
Variant type: single nucleotide variant.
Coding change: c.255A>G on transcript NM_016302.4 (MANE Select); coding-DNA position 255, A replaced by G.
Protein change: p.Pro85=; no amino-acid change (proline 85 retained).
Molecular consequence: synonymous variant.
Genome position (GRCh38, 1-based): chr3:3,174,181, T>C on the plus strand (A>G on the coding strand, the complement: CRBN is on the minus strand). VCF-style: chr3-3174181-T-C. GRCh37 (hg19) VCF-style: chr3-3215865-T-C.
Other names: c.252A>G, p.Pro84= (NM_001173482.1).
Identifiers: ClinVar variation 3025879 (VCV003025879.22), dbSNP rs1372218265, ClinGen allele CA432119702.

ClinVar aggregate classification (germline): Likely benign (1 of 4 stars; one submission).

Allele frequency attached by ClinVar (database versions not stated): TOPMed below 0.00001.
gnomAD v4.1: 6 of 1,614,190 alleles (0.00037%); highest among the groups gnomAD compares: Middle Eastern, 0.016%; no homozygotes.

Submission:

CeGaT Center for Human Genetics Tuebingen
Classification: Likely benign. Last evaluated: 2023-12-01. Review status: criteria provided, single submitter. Criteria: CeGaT Center For Human Genetics Tuebingen Variant Classification Criteria Version 2. Collection method: clinical testing. Allele origin: germline. Affected: yes. Observed: 1 variant allele.
Comment: CRBN: BP4, BP7